The following is an entry in ClinVar:

NM_001261826.3(AP3D1):c.3187G>A (p.Glu1063Lys)

Gene: AP3D1 (adaptor related protein complex 3 subunit delta 1; minus strand). Cytogenetic location: 19p13.3.
Variant type: single nucleotide variant.
Coding change: c.3187G>A on transcript NM_001261826.3 (MANE Select); coding-DNA position 3187, G replaced by A.
Protein change: p.Glu1063Lys; replaces glutamic acid 1063 with lysine.
Molecular consequence: missense variant.
Genome position (GRCh38, 1-based): chr19:2,110,213, C>T on the plus strand (G>A on the coding strand, the complement: AP3D1 is on the minus strand). VCF-style: chr19-2110213-C-T. GRCh37 (hg19) VCF-style: chr19-2110212-C-T.
Other names: c.3151G>A, p.Glu1051Lys (NM_001374799.1); c.3001G>A, p.Glu1001Lys (NM_003938.8); c.3001G>A (NM_003938.5); short protein forms E1051K, E1063K, E1001K.
Identifiers: ClinVar variation 3022191 (VCV003022191.4), dbSNP rs769457714, ClinGen allele CA9058515.

ClinVar aggregate classification (germline): Uncertain significance. Review status: criteria provided, multiple submitters, no conflicts (2 of 4 stars). 2 submissions from 2 submitters: Uncertain significance (2). Last evaluated 2024-09-24.

Conditions:
Inborn genetic diseases. Identifiers: MedGen C0950123, MeSH D030342.

Allele frequency attached by ClinVar (database versions not stated): ExAC 0.00001; gnomAD 0.00001; gnomAD exomes 0.00001.
gnomAD v4.1: 20 of 1,611,854 alleles (0.0012%); highest among the groups gnomAD compares: South Asian, 0.012%; no homozygotes.

Submissions (2):

Labcorp Genetics (formerly Invitae), Labcorp
Classification: Uncertain significance. Last evaluated: 2024-09-24. Review status: criteria provided, single submitter. Criteria: Invitae Variant Classification Sherloc (09022015). Collection method: clinical testing. Allele origin: germline.
Comment: This sequence change replaces glutamic acid, which is acidic and polar, with lysine, which is basic and polar, at codon 1063 of the AP3D1 protein (p.Glu1063Lys). This variant is present in population databases (rs769457714, gnomAD 0.01%). This variant has not been reported in the literature in individuals affected with AP3D1-related conditions. An algorithm developed to predict the effect of missense changes on protein structure and function (PolyPhen-2) suggests that this variant is likely to be tolerated. In summary, the available evidence is currently insufficient to determine the role of this variant in disease. Therefore, it has been classified as a Variant of Uncertain Significance.

Ambry Genetics
Classification: Uncertain significance for Inborn genetic diseases. Last evaluated: 2024-04-04. Review status: criteria provided, single submitter. Criteria: Ambry Variant Classification Scheme 2023. Collection method: clinical testing. Allele origin: germline.